The following is an entry in ClinVar:

ClinVar aggregate classification (germline): Uncertain significance. Review status: criteria provided, single submitter (1 of 4 stars). 2 submissions from 2 submitters: Uncertain significance (1). 1 of the submissions does not count toward it. Last evaluated 2026-09-01.

Conditions:
GLS-related disorder. Also called: GLS-related condition.

Allele frequency attached by ClinVar (database versions not stated): 1000 Genomes Project 30x 0.00016.
gnomAD v4.1: 45 of 1,255,850 alleles (0.0036%); highest among the groups gnomAD compares: Admixed American, 0.18%; no homozygotes.

Submissions (2):

CeGaT Center for Human Genetics Tuebingen
Classification: Uncertain significance. Last evaluated: 2026-09-01. Review status: criteria provided, single submitter. Criteria: CeGaT Center For Human Genetics Tuebingen Variant Classification Criteria Version 2. Collection method: clinical testing. Allele origin: germline. Affected: yes. Observed: 1 variant allele.

PreventionGenetics, part of Exact Sciences
Classification: Likely benign for GLS-related condition. Last evaluated: 2023-10-18. Review status: no assertion criteria provided. Collection method: clinical testing. Allele origin: germline. Not counted in ClinVar's aggregate classification.
Comment: This variant is classified as likely benign based on ACMG/AMP sequence variant interpretation guidelines (Richards et al. 2015 PMID: 25741868, with internal and published modifications).

NM_014905.5(GLS):c.125G>A (p.Gly42Glu)

Gene: GLS (glutaminase; plus strand). Cytogenetic location: 2q32.2.
Variant type: single nucleotide variant.
Coding change: c.125G>A on transcript NM_014905.5 (MANE Select); coding-DNA position 125, G replaced by A.
Protein change: p.Gly42Glu; replaces glycine 42 with glutamic acid.
Molecular consequence: missense variant.
Genome position (GRCh38, 1-based): chr2:190,881,209, G>A. VCF-style: chr2-190881209-G-A. GRCh37 (hg19) VCF-style: chr2-191745935-G-A.
Other names: c.125G>A, p.Gly42Glu (NM_001256310.2); short protein forms G42E.
Identifiers: ClinVar variation 3041394 (VCV003041394.3), dbSNP rs746848816, ClinGen allele CA2029151.